The following is an entry in ClinVar:

NM_013265.4(VPS51):c.1657C>T (p.Gln553Ter)

Gene: VPS51 (VPS51 subunit of GARP complex; plus strand). Cytogenetic location: 11q13.1.
Variant type: single nucleotide variant.
Coding change: c.1657C>T on transcript NM_013265.4 (MANE Select); coding-DNA position 1657, C replaced by T.
Protein change: p.Gln553Ter; replaces glutamine 553 with a stop codon.
Molecular consequence: nonsense. On other transcripts: non-coding transcript variant (1).
Genome position (GRCh38, 1-based): chr11:65,109,493, C>T. VCF-style: chr11-65109493-C-T. GRCh37 (hg19) VCF-style: chr11-64876965-C-T.
Other names: short protein forms Q553*.
Identifiers: ClinVar variation 4850130 (VCV004850130.1).

ClinVar aggregate classification (germline): Likely pathogenic (1 of 4 stars; one submission).

Conditions:
Pontocerebellar hypoplasia, type 13. Identifiers: Orphanet 613267, MedGen C5231425, MONDO:0032831, OMIM 618606.

Submission:

Variantyx, Inc.
Classification: Likely pathogenic for Pontocerebellar hypoplasia, type 13. Last evaluated: 2025-08-14. Review status: criteria provided, single submitter. Criteria: Variantyx Assertion Criteria 2022. Collection method: clinical testing. Allele origin: germline. Inheritance: Autosomal recessive inheritance. Affected: no.
Comment: This is a nonsense variant in the VPS51 gene (OMIM: 615738). Pathogenic variants in this gene have been associated with autosomal recessive pontocerebellar hypoplasia, type 13. This variant introduces a premature termination codon in exon 6 out of 10 and is expected to result in loss of function, which is a known disease mechanism for VPS51 in this disorder (PVS1) (PMID: 30624672, 31207318) . This variant is absent from control populations (PM2) and it has not been reported in individuals with VPS51-related disorders in the databases available for review. Based on the current evidence, this variant is classified as likely pathogenic for autosomal recessive pontocerebellar hypoplasia, type 13.

Literature cited by the submitters: PubMed 30624672; PubMed 31207318.